The following is an entry in ClinVar:

NM_001083961.2(WDR62):c.390+1G>T

Gene: WDR62 (WD repeat domain 62; plus strand). Cytogenetic location: 19q13.12.
Variant type: single nucleotide variant.
Coding change: c.390+1G>T on transcript NM_001083961.2 (MANE Select); the canonical splice donor site of the intron after coding-DNA position 390, G replaced by T.
Molecular consequence: splice donor variant.
Genome position (GRCh38, 1-based): chr19:36,066,016, G>T. VCF-style: chr19-36066016-G-T. GRCh37 (hg19) VCF-style: chr19-36556918-G-T.
Other names: c.390+1G>T (NM_173636.5, NM_001411146.1, NM_001411145.1 and 1 more transcripts).
Identifiers: ClinVar variation 961944 (VCV000961944.11), dbSNP rs1284984423, ClinGen allele CA405426394.

ClinVar aggregate classification (germline): Pathogenic (1 of 4 stars; one submission).

Submissions (2):

Labcorp Genetics (formerly Invitae), Labcorp
Classification: Pathogenic. Last evaluated: 2019-08-13. Review status: criteria provided, single submitter. Criteria: Invitae Variant Classification Sherloc (09022015). Collection method: clinical testing. Allele origin: germline.
Comment: For these reasons, this variant has been classified as Pathogenic. Donor and acceptor splice site variants typically lead to a loss of protein function (PMID: 16199547), and loss-of-function variants in WDR62 are known to be pathogenic (PMID: 20729831). This variant has been observed in individual(s) with WDR62-related disease (Invitae). In at least one individual the data is consistent with the variant being in trans (on the opposite chromosome) from a pathogenic variant. This variant is not present in population databases (ExAC no frequency). This sequence change affects a donor splice site in intron 4 of the WDR62 gene. It is expected to disrupt RNA splicing and likely results in an absent or disrupted protein product.

Dr. Peter K. Rogan Lab, Western University
No classification provided (evidence only). Condition: Squamous cell lung carcinoma. Review status: no classification provided. Collection method: in vitro. Allele origin: not applicable. Functional consequence: retained intron. Not counted in ClinVar's aggregate classification.

Literature cited by the submitters: PubMed 16199547 (cited by Labcorp Genetics (formerly Invitae), Labcorp); PubMed 20729831 (cited by Labcorp Genetics (formerly Invitae), Labcorp).